The following is an entry in ClinVar:

ClinVar aggregate classification (germline): Uncertain significance (1 of 4 stars; one submission).

Submission:

GeneDx
Classification: Uncertain significance. Last evaluated: 2019-07-24. Review status: criteria provided, single submitter. Criteria: GeneDx Variant Classification Process June 2021. Collection method: clinical testing. Allele origin: germline. Affected: yes.
Comment: Not observed in large population cohorts (Lek et al., 2016); In silico analysis, which includes protein predictors and evolutionary conservation, supports that this variant does not alter protein structure/function; Has not been previously published as pathogenic or benign to our knowledge

NM_178857.6(RP1L1):c.6442G>T (p.Val2148Leu)

Gene: RP1L1 (RP1 like 1). Cytogenetic location: 8p23.1.
Variant type: single nucleotide variant.
Coding change: c.6442G>T on transcript NM_178857.6 (MANE Select); coding-DNA position 6442, G replaced by T.
Protein change: p.Val2148Leu; replaces valine 2148 with leucine.
Molecular consequence: missense variant.
Genome position (GRCh38, 1-based): chr8:10,607,656, C>A on the plus strand (G>T on the coding strand, the complement: RP1L1 is on the minus strand). VCF-style: chr8-10607656-C-A. GRCh37 (hg19) VCF-style: chr8-10465166-C-A.
Other names: short protein forms V2148L.
Identifiers: ClinVar variation 1306811 (VCV001306811.2), dbSNP rs200283060, ClinGen allele CA370278908.